The following is an entry in ClinVar:

NM_003072.5(SMARCA4):c.376G>A (p.Gly126Ser)

Gene: SMARCA4 (SWI/SNF related BAF chromatin remodeling complex subunit ATPase 4; plus strand). Cytogenetic location: 19p13.2.
Variant type: single nucleotide variant.
Coding change: c.376G>A on transcript NM_003072.5 (MANE Select); coding-DNA position 376, G replaced by A.
Protein change: p.Gly126Ser; replaces glycine 126 with serine.
Molecular consequence: missense variant. On other transcripts: non-coding transcript variant (1).
Genome position (GRCh38, 1-based): chr19:10,986,209, G>A. VCF-style: chr19-10986209-G-A. GRCh37 (hg19) VCF-style: chr19-11096885-G-A.
Other names: c.376G>A, p.Gly126Ser (NM_001128848.2, NM_001128849.3, NM_001374457.1 and 6 more transcripts); short protein forms G126S.
Identifiers: ClinVar variation 2746153 (VCV002746153.3), dbSNP rs2145771652, ClinGen allele CA404055642.

ClinVar aggregate classification (germline): Uncertain significance (1 of 4 stars; one submission).

Conditions:
Rhabdoid tumor predisposition syndrome 2 (RTPS2). Identifiers: Orphanet 231108, Orphanet 69077, MedGen C2750074, MONDO:0013224, OMIM 613325.

Submission:

Labcorp Genetics (formerly Invitae), Labcorp
Classification: Uncertain significance for Rhabdoid tumor predisposition syndrome 2. Last evaluated: 2023-07-24. Review status: criteria provided, single submitter. Criteria: Invitae Variant Classification Sherloc (09022015). Collection method: clinical testing. Allele origin: germline.
Comment: In summary, the available evidence is currently insufficient to determine the role of this variant in disease. Therefore, it has been classified as a Variant of Uncertain Significance. Advanced modeling of protein sequence and biophysical properties (such as structural, functional, and spatial information, amino acid conservation, physicochemical variation, residue mobility, and thermodynamic stability) performed at Invitae indicates that this missense variant is not expected to disrupt SMARCA4 protein function. This variant has not been reported in the literature in individuals affected with SMARCA4-related conditions. This variant is not present in population databases (gnomAD no frequency). This sequence change replaces glycine, which is neutral and non-polar, with serine, which is neutral and polar, at codon 126 of the SMARCA4 protein (p.Gly126Ser).